The following is an entry in ClinVar:

ClinVar aggregate classification (germline): Uncertain significance (1 of 4 stars; one submission).

Conditions:
Joubert syndrome. Also called: CEREBELLOPARENCHYMAL DISORDER IV; JOUBERT-BOLTSHAUSER SYNDROME; Familial aplasia of the vermis. Identifiers: Orphanet 475, MedGen C5979921, MONDO:0018772.
Orofaciodigital syndrome I (OFD1). Also called: OFDS I; Papillon-Leage and Psaume Syndrome; Oral-Facial-Digital Syndrome Type I. Identifiers: Orphanet 2750, MedGen C1510460, MONDO:0010702, OMIM 311200.

Submission:

Labcorp Genetics (formerly Invitae), Labcorp
Classification: Uncertain significance for Orofaciodigital syndrome I; Joubert syndrome. Last evaluated: 2024-04-29. Review status: criteria provided, single submitter. Criteria: Invitae Variant Classification Sherloc (09022015). Collection method: clinical testing. Allele origin: germline.
Comment: This sequence change replaces glycine, which is neutral and non-polar, with alanine, which is neutral and non-polar, at codon 572 of the OFD1 protein (p.Gly572Ala). This variant is not present in population databases (gnomAD no frequency). This variant has not been reported in the literature in individuals affected with OFD1-related conditions. Advanced modeling of protein sequence and biophysical properties (such as structural, functional, and spatial information, amino acid conservation, physicochemical variation, residue mobility, and thermodynamic stability) performed at Invitae indicates that this missense variant is not expected to disrupt OFD1 protein function with a negative predictive value of 80%. In summary, the available evidence is currently insufficient to determine the role of this variant in disease. Therefore, it has been classified as a Variant of Uncertain Significance.

NM_003611.3(OFD1):c.1715G>C (p.Gly572Ala)

Gene: OFD1 (OFD1 centriole and centriolar satellite protein; plus strand). Cytogenetic location: Xp22.2.
Variant type: single nucleotide variant.
Coding change: c.1715G>C on transcript NM_003611.3 (MANE Select); coding-DNA position 1715, G replaced by C.
Protein change: p.Gly572Ala; replaces glycine 572 with alanine.
Molecular consequence: missense variant.
Genome position (GRCh38, 1-based): chrX:13,760,175, G>C. VCF-style: chrX-13760175-G-C. GRCh37 (hg19) VCF-style: chrX-13778294-G-C.
Other names: c.1595G>C, p.Gly532Ala (NM_001330209.2); c.1295G>C, p.Gly432Ala (NM_001330210.2); short protein forms G432A, G532A, G572A.
Identifiers: ClinVar variation 3756102 (VCV003756102.2).
Genomic context (GRCh38, chrX:13,760,175, plus strand): 5'-CCCTAGAGAATGAAGTGTACTGCAATCCAAAGCAGTCTGTGATCGATCGTTCTGTCAATG[G>C]ATTAATAAATGGCAATGTGGTGCCTTGCAATGGTGAGATAAGTGGGGATTTCTTGAACAA-3'
Protein context (NP_003602.1, residues 562-582): KQSVIDRSVN[Gly572Ala]LINGNVVPCN